The following is an entry in ClinVar:

NM_000169.3(GLA):c.101A>C (p.Asn34Thr)

Genes: GLA (galactosidase alpha; minus strand), RPL36A-HNRNPH2 (RPL36A-HNRNPH2 readthrough; plus strand). Cytogenetic location: Xq22.1.
Variant type: single nucleotide variant.
Coding change: c.101A>C on transcript NM_000169.3 (MANE Select); coding-DNA position 101, A replaced by C.
Protein change: p.Asn34Thr; replaces asparagine 34 with threonine.
Molecular consequence: missense variant. On other transcripts: non-coding transcript variant (3), intron variant (2).
Genome position (GRCh38, 1-based): chrX:101,407,803, T>G on the plus strand (A>C on the coding strand, the complement: GLA is on the minus strand). VCF-style: chrX-101407803-T-G. GRCh37 (hg19) VCF-style: chrX-100662791-T-G.
Other names: c.101A>C, p.Asn34Thr (NM_001406747.1, NM_001406748.1, NM_001406749.1); c.301-4133T>G (NM_001199973.2); c.178-4133T>G (NM_001199974.2); short protein forms N34T.
Identifiers: ClinVar variation 4974925 (VCV004974925.1).
Genomic context (GRCh38, chrX:101,407,803, plus strand): 5'-AGGTTGCACATGAAGCGCTCCCAGTGCAGCCAGCCCATGGTAGGCGTCCTTGCCAATCCA[T>G]TGTCCAGTGCTCTAGCCCCAGGGATGTCCCAGGAAACGAGGGCCAGGAAGCGAAGCGCAA-3'
Protein context (NP_000160.1, residues 24-44): WDIPGARALD[Asn34Thr]GLARTPTMGW

ClinVar aggregate classification (germline): Likely pathogenic (1 of 4 stars; one submission).

Conditions:
Fabry disease. Also called: Fabry's disease; ALPHA-GALACTOSIDASE A DEFICIENCY; ANDERSON-FABRY DISEASE; CERAMIDE TRIHEXOSIDASE DEFICIENCY; GLA DEFICIENCY; HEREDITARY DYSTOPIC LIPIDOSIS. Identifiers: Orphanet 324, MedGen C0002986, MONDO:0010526, OMIM 301500, HP:0001071. Disease mechanism: Fabry disease is due to inactivating mutations in the X-linked GLA gene resulting in deficiency of the enzyme Alpha Galactosidase-A., loss of function.

Submission:

Genomenon, Inc
Classification: Likely pathogenic for Fabry disease. Last evaluated: 2026-09-08. Review status: criteria provided, single submitter. Criteria: Genomenon Sequence Variant Interpretation Standards - Updated. Collection method: curation. Allele origin: germline. Affected: yes.
Comment: GLA p.Asn34Thr (c.101A>C) is a missense variant that changes the amino acid at codon 34 from Asparagine to Threonine. This variant has been observed in at least one proband with clinical features consistent with Fabry disease (PMID:28975091). Functional or patient cell studies have been reported (PMID:28975091). The presence of pathogenic/likely pathogenic missense variant(s) at the same amino acid position indicates that this residue is likely important for protein function. It is absent or not present at a significant frequency in gnomAD. In silico models predict that this variant is possibly or probably damaging. In conclusion, we classify GLA p.Asn34Thr (c.101A>C) as a likely pathogenic variant.

Literature cited by the submitters: PubMed 28975091.